The following is an entry in ClinVar:

ClinVar aggregate classification (germline): Pathogenic/Likely pathogenic. Review status: criteria provided, multiple submitters, no conflicts (2 of 4 stars). 3 submissions from 3 submitters: Pathogenic (1); Likely pathogenic (2). Last evaluated 2025-11-03.

Conditions:
Glutaric aciduria, type 1. Also called: GA I; Glutaricacidemia Type 1; Glutaricaciduria, type I; Glutaric Acidemia Type 1; Glutaryl-CoA dehydrogenase deficiency; Glutaric acidemia type I. Identifiers: Orphanet 25, MedGen C0268595, MONDO:0009281, OMIM 231670.

Allele frequency attached by ClinVar (database versions not stated): gnomAD 0.00001; ExAC 0.00002; TOPMed 0.00002.

Submissions (3):

Natera, Inc.
Classification: Likely pathogenic for Glutaric acidemia type 1. Last evaluated: 2025-11-03. Review status: criteria provided, single submitter. Criteria: Natera Variant Classification Schema (03/2026). Collection method: clinical testing. Allele origin: germline.
Comment: The c.300G>A variant in GCDH is a missense variant predicted to cause substitution of methionine to isoleucine at amino acid 100. This variant is rare in the general population with a frequency below the threshold expected for the associated phenotype(s). This variant has been observed in one or more individuals affected with the associated recessive disease, as either homozygous or compound heterozygous with a second variant (PMID: 34344405). A different variant at the same position has been determined to be Pathogenic or Likely Pathogenic. Given the available evidence, this variant is classified as Likely Pathogenic.

Labcorp Genetics (formerly Invitae), Labcorp
Classification: Pathogenic for Glutaric aciduria, type 1. Last evaluated: 2024-03-05. Review status: criteria provided, single submitter. Criteria: Invitae Variant Classification Sherloc (09022015). Collection method: clinical testing. Allele origin: germline.
Comment: This sequence change replaces methionine, which is neutral and non-polar, with isoleucine, which is neutral and non-polar, at codon 100 of the GCDH protein (p.Met100Ile). This variant is present in population databases (rs759838598, gnomAD 0.02%). This missense change has been observed in individual(s) with glutaric acidemia type I (PMID: 34344405). In at least one individual the data is consistent with being in trans (on the opposite chromosome) from a pathogenic variant. ClinVar contains an entry for this variant (Variation ID: 1011761). Advanced modeling of protein sequence and biophysical properties (such as structural, functional, and spatial information, amino acid conservation, physicochemical variation, residue mobility, and thermodynamic stability) performed at Invitae indicates that this missense variant is not expected to disrupt GCDH protein function with a negative predictive value of 80%. This variant disrupts the p.Met100 amino acid residue in GCDH. Other variant(s) that disrupt this residue have been determined to be pathogenic (PMID: 29665094, 34504725). This suggests that this residue is clinically significant, and that variants that disrupt this residue are likely to be disease-causing. For these reasons, this variant has been classified as Pathogenic.

Juno Genomics, Hangzhou Juno Genomics, Inc
Classification: Likely pathogenic for Glutaric aciduria, type 1. Review status: criteria provided, single submitter. Criteria: ACMG Guidelines, 2015. Collection method: clinical testing. Allele origin: germline.
Comment: Absent from controls (or at extremely low frequency if recessive) in Genome Aggregation Database.;Multiple lines of computational evidence support a deleterious effect on the gene or gene product.;For recessive disorders, detected in trans with a pathogenic variant.

Literature cited by the submitters: PubMed 34344405 (cited by Natera, Inc. and Labcorp Genetics (formerly Invitae), Labcorp); PubMed 29665094 (cited by Labcorp Genetics (formerly Invitae), Labcorp); PubMed 34504725 (cited by Labcorp Genetics (formerly Invitae), Labcorp).

NM_000159.4(GCDH):c.300G>A (p.Met100Ile)

Gene: GCDH (glutaryl-CoA dehydrogenase; plus strand). Cytogenetic location: 19p13.13.
Variant type: single nucleotide variant.
Coding change: c.300G>A on transcript NM_000159.4 (MANE Select); coding-DNA position 300, G replaced by A.
Protein change: p.Met100Ile; replaces methionine 100 with isoleucine.
Molecular consequence: missense variant. On other transcripts: non-coding transcript variant (1).
Genome position (GRCh38, 1-based): chr19:12,892,144, G>A. VCF-style: chr19-12892144-G-A. GRCh37 (hg19) VCF-style: chr19-13002958-G-A.
Other names: c.300G>A, p.Met100Ile (NM_013976.5); c.300G>A (NM_000159.3); short protein forms M100I.
Identifiers: ClinVar variation 1011761 (VCV001011761.12), dbSNP rs759838598, ClinGen allele CA9234320.